The following is an entry in ClinVar:

NM_015466.4(PTPN23):c.2968G>T (p.Gly990Ter)

Gene: PTPN23 (protein tyrosine phosphatase non-receptor type 23; plus strand). Cytogenetic location: 3p21.31.
Variant type: single nucleotide variant.
Coding change: c.2968G>T on transcript NM_015466.4 (MANE Select); coding-DNA position 2968, G replaced by T.
Protein change: p.Gly990Ter; replaces glycine 990 with a stop codon.
Molecular consequence: nonsense.
Genome position (GRCh38, 1-based): chr3:47,410,766, G>T. VCF-style: chr3-47410766-G-T. GRCh37 (hg19) VCF-style: chr3-47452256-G-T.
Other names: c.2590G>T, p.Gly864Ter (NM_001304482.2); short protein forms G864*, G990*.
Identifiers: ClinVar variation 3382147 (VCV003382147.2).
Genomic context (GRCh38, chr3:47,410,766, plus strand): 5'-CAGCCCCCACAGCAGCCCCTTCCACTCCAGCATCCACATCTCTTCCCACCCCAGGCCCCA[G>T]GACTCCTACCCCCACAATCCCCCTACCCCTATGCCCCTCAGCCTGGGGTCCTGGGGCAGC-3'

ClinVar aggregate classification (germline): Likely pathogenic (1 of 4 stars; one submission).

Conditions:
Neurodevelopmental disorder and structural brain anomalies with or without seizures and spasticity. Identifiers: MedGen C5394423, MONDO:0030046, OMIM 618890.

Submission:

Juno Genomics, Hangzhou Juno Genomics, Inc
Classification: Likely pathogenic for Neurodevelopmental disorder and structural brain anomalies with or without seizures and spasticity. Review status: criteria provided, single submitter. Criteria: ACMG Guidelines, 2015. Collection method: clinical testing. Allele origin: germline. Affected: yes.
Comment: Null variant in a gene where loss of function (LOF) is a known mechanism of disease.;Absent from controls (or at extremely low frequency if recessive) in Genome Aggregation Database, Exome Sequencing Project, 1000 Genomes Project, or Exome Aggregation Consortium.